The following is an entry in ClinVar:

NM_004385.5(VCAN):c.3926C>T (p.Thr1309Met)

Gene: VCAN (versican; plus strand). Cytogenetic location: 5q14.3.
Variant type: single nucleotide variant.
Coding change: c.3926C>T on transcript NM_004385.5 (MANE Select); coding-DNA position 3926, C replaced by T.
Protein change: p.Thr1309Met; replaces threonine 1309 with methionine.
Molecular consequence: missense variant. On other transcripts: intron variant (2).
Genome position (GRCh38, 1-based): chr5:83,522,232, C>T. VCF-style: chr5-83522232-C-T. GRCh37 (hg19) VCF-style: chr5-82818051-C-T.
Other names: c.3926C>T, p.Thr1309Met (NM_001164098.2); c.1042+9836C>T (NM_001164097.2, NM_001126336.3); short protein forms T1309M.
Identifiers: ClinVar variation 937496 (VCV000937496.10), dbSNP rs149651541, ClinGen allele CA3333079.
Genomic context (GRCh38, chr5:83,522,232, plus strand): 5'-AGCCAACAAGACCACCCACTGTGGAAGACAAAGAGGCCTTTGGACCTCAGGCGCTTTCTA[C>T]GCCACAGCCCCCAGCAAGCACAAAATTTCACCCTGACATTAATGTTTATATTATTGAGGT-3'
Protein context (NP_004376.2, residues 1299-1319): KEAFGPQALS[Thr1309Met]PQPPASTKFH

ClinVar aggregate classification (germline): Conflicting classifications of pathogenicity. Review status: criteria provided, conflicting classifications (1 of 4 stars). 3 submissions from 3 submitters: Uncertain significance (2); Likely benign (1). Last evaluated 2026-03-20.

Allele frequency attached by ClinVar (database versions not stated): gnomAD exomes 0.00003 and 0.00007; ExAC 0.00009; gnomAD 0.00017 and 0.00019; TOPMed 0.00026; 1000 Genomes Project 30x 0.00031; ESP Exome Variant Server 0.00038.
gnomAD v4.1: 67 of 1,601,122 alleles (0.0042%); highest among the groups gnomAD compares: African/African-American, 0.037%; no homozygotes.

Submissions (3):

GeneDx
Classification: Uncertain significance. Last evaluated: 2026-03-20. Review status: criteria provided, single submitter. Criteria: GeneDx Variant Classification Process June 2021. Collection method: clinical testing. Allele origin: germline.
Comment: In silico analysis supports that this missense variant has a deleterious effect on protein structure/function; Previously reported in two individuals; one had retinal detachment and cataracts, and the other had familial exudative vitreoretinopathy (PMID: 40200375); This variant is associated with the following publications: (PMID: 40200375)

Labcorp Genetics (formerly Invitae), Labcorp
Classification: Uncertain significance. Last evaluated: 2025-08-27. Review status: criteria provided, single submitter. Criteria: Invitae Variant Classification Sherloc (09022015). Collection method: clinical testing. Allele origin: germline.
Comment: This sequence change replaces threonine, which is neutral and polar, with methionine, which is neutral and non-polar, at codon 1309 of the VCAN protein (p.Thr1309Met). This variant is present in population databases (rs149651541, gnomAD 0.04%), and has an allele count higher than expected for a pathogenic variant. This variant has not been reported in the literature in individuals affected with VCAN-related conditions. ClinVar contains an entry for this variant (Variation ID: 937496). An algorithm developed to predict the effect of missense changes on protein structure and function (PolyPhen-2) suggests that this variant is likely to be disruptive. In summary, the available evidence is currently insufficient to determine the role of this variant in disease. Therefore, it has been classified as a Variant of Uncertain Significance.

Blueprint Genetics
Classification: Likely benign. Last evaluated: 2024-02-20. Review status: criteria provided, single submitter. Criteria: ACMG Guidelines, 2015. Collection method: clinical testing. Allele origin: germline.